The following is an entry in ClinVar:

NM_001035.3(RYR2):c.254C>T (p.Thr85Ile)

Gene: RYR2 (ryanodine receptor 2; plus strand). Cytogenetic location: 1q43.
Variant type: single nucleotide variant.
Coding change: c.254C>T on transcript NM_001035.3 (MANE Select); coding-DNA position 254, C replaced by T.
Protein change: p.Thr85Ile; replaces threonine 85 with isoleucine.
Molecular consequence: missense variant.
Genome position (GRCh38, 1-based): chr1:237,330,963, C>T. VCF-style: chr1-237330963-C-T. GRCh37 (hg19) VCF-style: chr1-237494263-C-T.
Other names: short protein forms T85I.
Identifiers: ClinVar variation 853155 (VCV000853155.12), dbSNP rs772005577, ClinGen allele CA086070.

ClinVar aggregate classification (germline): Conflicting classifications of pathogenicity. Review status: criteria provided, conflicting classifications (1 of 4 stars). 2 submissions from 2 submitters: Likely pathogenic (1); Uncertain significance (1). Last evaluated 2022-02-15.

Conditions:
RYR2-related disorder. Also called: RYR2-related condition.
Catecholaminergic polymorphic ventricular tachycardia 1. Also called: VENTRICULAR TACHYCARDIA, CATECHOLAMINERGIC POLYMORPHIC, 1, WITH OR WITHOUT ATRIAL DYSFUNCTION AND/OR DILATED CARDIOMYOPATHY; RYR2-Related Catecholaminergic Polymorphic Ventricular Tachycardia; VENTRICULAR TACHYCARDIA, STRESS-INDUCED POLYMORPHIC 1. Identifiers: Orphanet 3286, MedGen C1631597, MONDO:0011484, OMIM 604772.

Allele frequency attached by ClinVar (database versions not stated): gnomAD exomes below 0.00001; ExAC 0.00001.
gnomAD v4.1: 1 of 1,613,922 alleles (0.000062%); highest among the groups gnomAD compares: Non-Finnish European, 0.000085%; no homozygotes.

Submissions (2):

Blueprint Genetics
Classification: Likely pathogenic for RYR2-related disorders. Last evaluated: 2022-02-15. Review status: criteria provided, single submitter. Criteria: ACMG Guidelines, 2015. Collection method: clinical testing. Allele origin: germline. Affected: yes. Observed: 1 variant allele.

Labcorp Genetics (formerly Invitae), Labcorp
Classification: Uncertain significance for Catecholaminergic polymorphic ventricular tachycardia 1. Last evaluated: 2020-05-21. Review status: criteria provided, single submitter. Criteria: Invitae Variant Classification Sherloc (09022015). Collection method: clinical testing. Allele origin: germline.
Comment: This sequence change replaces threonine with isoleucine at codon 85 of the RYR2 protein (p.Thr85Ile). The threonine residue is moderately conserved and there is a moderate physicochemical difference between threonine and isoleucine. This variant is present in population databases (rs772005577, ExAC 0.001%). In summary, the available evidence is currently insufficient to determine the role of this variant in disease. Therefore, it has been classified as a Variant of Uncertain Significance. Algorithms developed to predict the effect of missense changes on protein structure and function are either unavailable or do not agree on the potential impact of this missense change (SIFT: "Deleterious"; PolyPhen-2: "Benign"; Align-GVGD: "Class C0"). This variant has not been reported in the literature in individuals with RYR2-related conditions.